The following is an entry in ClinVar:

NM_000535.7(PMS2):c.1077G>A (p.Leu359=)

Gene: PMS2 (PMS1 homolog 2, mismatch repair system component; minus strand). Cytogenetic location: 7p22.1.
Variant type: single nucleotide variant.
Coding change: c.1077G>A on transcript NM_000535.7 (MANE Select); coding-DNA position 1077, G replaced by A.
Protein change: p.Leu359=; no amino-acid change (leucine 359 retained).
Molecular consequence: synonymous variant. On other transcripts: non-coding transcript variant (1), intron variant (10).
Genome position (GRCh38, 1-based): chr7:5,989,867, C>T on the plus strand (G>A on the coding strand, the complement: PMS2 is on the minus strand). VCF-style: chr7-5989867-C-T. GRCh37 (hg19) VCF-style: chr7-6029498-C-T.
Other names: c.768G>A, p.Leu256= (NM_001406877.1, NM_001406878.1, NM_001406879.1 and 5 more transcripts); c.711G>A, p.Leu237= (NM_001406886.1); c.672G>A, p.Leu224= (NM_001406887.1, NM_001406888.1, NM_001406889.1 and 16 more transcripts); c.759G>A, p.Leu253= (NM_001406883.1, NM_001322007.2, NM_001322008.2 and 2 more transcripts); c.741G>A, p.Leu247= (NM_001406885.1); c.144G>A, p.Leu48= (NM_001322011.2, NM_001322012.2); c.504G>A, p.Leu168= (NM_001322013.2, NM_001406909.1); c.1077G>A, p.Leu359= (NM_001322014.2, NM_001406871.1, NM_001406872.1); and 14 more.
Identifiers: ClinVar variation 3421488 (VCV003421488.3).

ClinVar aggregate classification (germline): Conflicting classifications of pathogenicity. Review status: criteria provided, conflicting classifications (1 of 4 stars). 3 submissions from 3 submitters: Uncertain significance (1); Benign (1); Likely benign (1). Last evaluated 2025-01-29.

Conditions:
Hereditary cancer-predisposing syndrome. Also called: Neoplastic Syndromes, Hereditary; Tumor predisposition; Hereditary Cancer Syndrome; Hereditary neoplastic syndrome. Identifiers: Orphanet 140162, MedGen C0027672, MeSH D009386, MONDO:0015356.
Lynch syndrome 4 (LYNCH4). Also called: Colorectal cancer, hereditary nonpolyposis, type 4; Hereditary non-polyposis colorectal cancer, type 4. Identifiers: Orphanet 144, MedGen C1838333, MONDO:0013699, OMIM 614337. Disease mechanism: loss of function.

Submissions (3):

Myriad Genetics, Inc.
Classification: Benign for Lynch syndrome 4. Last evaluated: 2025-01-29. Review status: criteria provided, single submitter. Criteria: Myriad Autosomal Dominant, Autosomal Recessive and X-Linked Classification Criteria (2023). Collection method: clinical testing. Allele origin: unknown.
Comment: This variant is considered benign. This variant is a silent/synonymous amino acid change and it is not expected to impact splicing.

Quest Diagnostics Nichols Institute San Juan Capistrano
Classification: Uncertain significance. Last evaluated: 2024-08-22. Review status: criteria provided, single submitter. Criteria: Quest Diagnostics criteria. Collection method: clinical testing. Allele origin: unknown.
Comment: The PMS2 c.1077G>A (p.Leu359=) synonymous variant has not been reported in individuals with PMS2-related conditions in the published literature. It also has not been reported in large, multi-ethnic general populations (Genome Aggregation Database). Analysis of this variant using software algorithms for the prediction of the effect of nucleotide changes on splicing yielded predictions that this variant does not affect PMS2 mRNA splicing. Based on the available information, we are unable to determine the clinical significance of this variant.

Ambry Genetics
Classification: Likely benign for Hereditary cancer-predisposing syndrome. Last evaluated: 2024-08-12. Review status: criteria provided, single submitter. Criteria: Ambry Variant Classification Scheme 2023. Collection method: clinical testing. Allele origin: germline.